The following is an entry in ClinVar:

ClinVar aggregate classification (germline): Uncertain significance (1 of 4 stars; one submission).

Conditions:
Werner syndrome (WRN). Identifiers: Orphanet 902, MedGen C0043119, MONDO:0010196, OMIM 277700.

gnomAD v4.1: 2 of 1,614,192 alleles (0.00012%); highest among the groups gnomAD compares: Non-Finnish European, 0.00017%; no homozygotes.

Submission:

Labcorp Genetics (formerly Invitae), Labcorp
Classification: Uncertain significance for Werner syndrome. Last evaluated: 2023-09-05. Review status: criteria provided, single submitter. Criteria: Invitae Variant Classification Sherloc (09022015). Collection method: clinical testing. Allele origin: germline.
Comment: In summary, the available evidence is currently insufficient to determine the role of this variant in disease. Therefore, it has been classified as a Variant of Uncertain Significance. An algorithm developed to predict the effect of missense changes on protein structure and function (PolyPhen-2) suggests that this variant is likely to be tolerated. This variant has not been reported in the literature in individuals affected with WRN-related conditions. This variant is present in population databases (rs770793076, gnomAD 0.006%). This sequence change replaces asparagine, which is neutral and polar, with aspartic acid, which is acidic and polar, at codon 1055 of the WRN protein (p.Asn1055Asp).

NM_000553.6(WRN):c.3163A>G (p.Asn1055Asp)

Gene: WRN (WRN RecQ like helicase; plus strand). Cytogenetic location: 8p12.
Variant type: single nucleotide variant.
Coding change: c.3163A>G on transcript NM_000553.6 (MANE Select); coding-DNA position 3163, A replaced by G.
Protein change: p.Asn1055Asp; replaces asparagine 1055 with aspartic acid.
Molecular consequence: missense variant.
Genome position (GRCh38, 1-based): chr8:31,141,705, A>G. VCF-style: chr8-31141705-A-G. GRCh37 (hg19) VCF-style: chr8-30999221-A-G.
Other names: short protein forms N1055D.
Identifiers: ClinVar variation 2730819 (VCV002730819.3), dbSNP rs770793076, ClinGen allele CA4704954.